The following is an entry in ClinVar:

ClinVar aggregate classification (germline): Pathogenic (1 of 4 stars; one submission).

Submission:

Labcorp Genetics (formerly Invitae), Labcorp
Classification: Pathogenic. Last evaluated: 2025-09-23. Review status: criteria provided, single submitter. Criteria: Invitae Variant Classification Sherloc (09022015). Collection method: clinical testing. Allele origin: germline.
Comment: This sequence change creates a premature translational stop signal (p.Leu118*) in the ACAN gene. It is expected to result in an absent or disrupted protein product. Loss-of-function variants in ACAN are known to be pathogenic (PMID: 16080123, 24762113). This variant is not present in population databases (gnomAD no frequency). This variant has not been reported in the literature in individuals affected with ACAN-related conditions. For these reasons, this variant has been classified as Pathogenic.

Literature cited by the submitters: PubMed 16080123; PubMed 24762113.

NM_001369268.1(ACAN):c.353T>A (p.Leu118Ter)

Gene: ACAN (aggrecan; plus strand). Cytogenetic location: 15q26.1.
Variant type: single nucleotide variant.
Coding change: c.353T>A on transcript NM_001369268.1 (MANE Select); coding-DNA position 353, T replaced by A.
Protein change: p.Leu118Ter; replaces leucine 118 with a stop codon.
Molecular consequence: nonsense.
Genome position (GRCh38, 1-based): chr15:88,838,945, T>A. VCF-style: chr15-88838945-T-A. GRCh37 (hg19) VCF-style: chr15-89382176-T-A.
Other names: c.353T>A, p.Leu118Ter (NM_001135.4, NM_001411096.1, NM_001411097.1 and 1 more transcripts); short protein forms L118*.
Identifiers: ClinVar variation 4804332 (VCV004804332.1).
Genomic context (GRCh38, chr15:88,838,945, plus strand): 5'-GTGCCTATCAGGACAAGGTCTCACTGCCCAACTACCCGGCCATCCCCAGTGACGCCACCT[T>A]GGAAGTCCAGAGCCTGCGCTCCAATGACTCTGGGGTCTACCGCTGCGAGGTGATGCATGG-3'